The following is an entry in ClinVar:

NM_001365480.1(CCDC88A):c.4071A>G (p.Arg1357=)

Gene: CCDC88A (coiled-coil and HOOK domain protein 88A; minus strand). Cytogenetic location: 2p16.1.
Variant type: single nucleotide variant.
Coding change: c.4071A>G on transcript NM_001365480.1 (MANE Select); coding-DNA position 4071, A replaced by G.
Protein change: p.Arg1357=; no amino-acid change (arginine 1357 retained).
Molecular consequence: synonymous variant.
Genome position (GRCh38, 1-based): chr2:55,312,442, T>C on the plus strand (A>G on the coding strand, the complement: CCDC88A is on the minus strand). VCF-style: chr2-55312442-T-C. GRCh37 (hg19) VCF-style: chr2-55539578-T-C.
Other names: c.4068A>G, p.Arg1356= (NM_001135597.2, NM_001254943.2); c.4071A>G, p.Arg1357= (NM_018084.5).
Identifiers: ClinVar variation 717543 (VCV000717543.37), dbSNP rs142831465, ClinGen allele CA1665643.

ClinVar aggregate classification (germline): Benign/Likely benign. Review status: criteria provided, multiple submitters, no conflicts (2 of 4 stars). 5 submissions from 5 submitters: Benign (2); Likely benign (2). 1 of the submissions does not count toward it. Last evaluated 2026-02-02.

Conditions:
CCDC88A-related disorder. Also called: CCDC88A-related condition.

Allele frequency attached by ClinVar (database versions not stated): 1000 Genomes Project 0.00100; 1000 Genomes Project 30x 0.00109; gnomAD exomes 0.00243 and 0.00381; gnomAD 0.00246 and 0.00256; ExAC 0.00252; TOPMed 0.00252; ESP Exome Variant Server 0.00338.
gnomAD v4.1: 5,878 of 1,612,340 alleles (0.36%); highest among the groups gnomAD compares: Non-Finnish European, 0.46%; 20 homozygotes.

Submissions (5):

Labcorp Genetics (formerly Invitae), Labcorp
Classification: Benign. Last evaluated: 2026-02-02. Review status: criteria provided, single submitter. Criteria: Invitae Variant Classification Sherloc (09022015). Collection method: clinical testing. Allele origin: germline.

CeGaT Center for Human Genetics Tuebingen
Classification: Likely benign. Last evaluated: 2026-02-01. Review status: criteria provided, single submitter. Criteria: CeGaT Center For Human Genetics Tuebingen Variant Classification Criteria Version 2. Collection method: clinical testing. Allele origin: germline. Affected: yes. Observed: 3 variant alleles.
Comment: CCDC88A: BP4, BP7, BS2

Blueprint Genetics
Classification: Likely benign. Last evaluated: 2024-11-20. Review status: criteria provided, single submitter. Criteria: ACMG Guidelines, 2015. Collection method: clinical testing. Allele origin: germline.

Breakthrough Genomics
Classification: Benign. Review status: criteria provided, single submitter. Criteria: ACMG Guidelines, 2015. Collection method: not provided. Allele origin: germline. Inheritance: Autosomal recessive inheritance. Affected: yes.

PreventionGenetics, part of Exact Sciences
Classification: Likely benign for CCDC88A-related condition. Last evaluated: 2020-01-08. Review status: no assertion criteria provided. Collection method: clinical testing. Allele origin: germline. Not counted in ClinVar's aggregate classification.
Comment: This variant is classified as likely benign based on ACMG/AMP sequence variant interpretation guidelines (Richards et al. 2015 PMID: 25741868, with internal and published modifications).